The following is an entry in ClinVar:

NM_001127198.5(TMC6):c.748_1082+56del

Gene: TMC6 (transmembrane channel like 6; minus strand). Cytogenetic location: 17q25.3.
Variant type: Deletion.
Coding change: c.748_1082+56del on transcript NM_001127198.5 (MANE Select); coding-DNA position 748 through 56 bases into the intron after coding-DNA position 1082, 735 bases deleted.
Molecular consequence: splice acceptor variant, splice donor variant.
Genome position (GRCh38, 1-based): chr17:78,123,933-78,124,667, 735 bases deleted. GRCh37 (hg19): chr17:76,120,016-76,120,750.
Other names: c.748_1082+56del (NM_001374594.1, NM_001374596.1, NM_001374593.1 and 4 more transcripts).
Identifiers: ClinVar variation 582588 (VCV000582588.1), dbSNP rs1567997496, ClinGen allele CA891844339.

ClinVar aggregate classification (germline): Pathogenic (1 of 4 stars; one submission).

Conditions:
Epidermodysplasia verruciformis, susceptibility to, 1. Identifiers: Orphanet 302, MedGen C4722564, MONDO:0100045, OMIM 226400.

Submission:

Labcorp Genetics (formerly Invitae), Labcorp
Classification: Pathogenic for EPIDERMODYSPLASIA VERRUCIFORMIS. Last evaluated: 2018-04-27. Review status: criteria provided, single submitter. Criteria: Invitae Variant Classification Sherloc (09022015). Collection method: clinical testing. Allele origin: germline.
Comment: This variant is a gross deletion of the genomic regionÂ¬â€ encompassing the last 144 nucleotides of exon 8 and all of exon 9 of the TMC6 geneÂ¬â€ (c.748_1082+56del). This likely creates a premature translational stop signal and is expected to result in an absent or disrupted protein product. This variant has not been reported in the literature in individuals with TMC6-related disease. Loss-of-function variants in TMC6 are known to be pathogenic (PMID: 15042430, 17139267). For these reasons, this variant has been classified as Pathogenic.